The following is an entry in ClinVar:

ClinVar aggregate classification (germline): Benign/Likely benign. Review status: criteria provided, multiple submitters, no conflicts (2 of 4 stars). 3 submissions from 3 submitters: Benign (1); Likely benign (2). Last evaluated 2024-11-18.

Allele frequency attached by ClinVar (database versions not stated): gnomAD exomes 0.00003 and 0.00005; ExAC 0.00006; TOPMed 0.00006; ESP Exome Variant Server 0.00009; gnomAD 0.00010.
gnomAD v4.1: 47 of 1,209,430 alleles (0.0039%); highest among the groups gnomAD compares: East Asian, 0.012%; no homozygotes.

Submissions (3):

Labcorp Genetics (formerly Invitae), Labcorp
Classification: Benign. Last evaluated: 2024-11-18. Review status: criteria provided, single submitter. Criteria: Invitae Variant Classification Sherloc (09022015). Collection method: clinical testing. Allele origin: germline.

CeGaT Center for Human Genetics Tuebingen
Classification: Likely benign. Last evaluated: 2024-10-01. Review status: criteria provided, single submitter. Criteria: CeGaT Center For Human Genetics Tuebingen Variant Classification Criteria Version 2. Collection method: clinical testing. Allele origin: germline. Affected: yes. Observed: 1 variant allele.
Comment: NEXMIF: BP4, BS2

Ambry Genetics
Classification: Likely benign. Last evaluated: 2021-10-26. Review status: criteria provided, single submitter. Criteria: Ambry Variant Classification Scheme 2023. Collection method: clinical testing. Allele origin: germline.

NM_001008537.3(NEXMIF):c.1712G>A (p.Ser571Asn)

Gene: NEXMIF (neurite extension and migration factor; minus strand). Cytogenetic location: Xq13.3.
Variant type: single nucleotide variant.
Coding change: c.1712G>A on transcript NM_001008537.3 (MANE Select); coding-DNA position 1712, G replaced by A.
Protein change: p.Ser571Asn; replaces serine 571 with asparagine.
Molecular consequence: missense variant.
Genome position (GRCh38, 1-based): chrX:74,742,845, C>T on the plus strand (G>A on the coding strand, the complement: NEXMIF is on the minus strand). VCF-style: chrX-74742845-C-T. GRCh37 (hg19) VCF-style: chrX-73962680-C-T.
Other names: short protein forms S571N.
Identifiers: ClinVar variation 752002 (VCV000752002.23), dbSNP rs372044888, ClinGen allele CA10455102.